The following is an entry in ClinVar:

NM_198525.3(KIF7):c.1363A>T (p.Ser455Cys)

Gene: KIF7 (kinesin family member 7; minus strand). Cytogenetic location: 15q26.1.
Variant type: single nucleotide variant.
Coding change: c.1363A>T on transcript NM_198525.3 (MANE Select); coding-DNA position 1363, A replaced by T.
Protein change: p.Ser455Cys; replaces serine 455 with cysteine.
Molecular consequence: missense variant.
Genome position (GRCh38, 1-based): chr15:89,648,335, T>A on the plus strand (A>T on the coding strand, the complement: KIF7 is on the minus strand). VCF-style: chr15-89648335-T-A. GRCh37 (hg19) VCF-style: chr15-90191566-T-A.
Other names: short protein forms S455C.
Identifiers: ClinVar variation 3010023 (VCV003010023.3), dbSNP rs1359666117, ClinGen allele CA393770985.
Genomic context (GRCh38, chr15:89,648,335, plus strand): 5'-GCGCCGCCTGGTCCTCGACGGAGGCGCTCTCGATGCCGCTATCGGGCCCGGAGGCGGAGC[T>A]CAGGGCGCTGCGCTCGCCCTCGACGGCGCACAGCCAGTCGCGCACCTTGCGGGCGGCGGC-3'
Protein context (NP_940927.2, residues 445-465): CAVEGERSAL[Ser455Cys]SASGPDSGIE

ClinVar aggregate classification (germline): Uncertain significance (1 of 4 stars; one submission).

Conditions:
Acrocallosal syndrome (ACLS). Also called: Schinzel syndrome 1; Absence of corpus callosum with unusual facial appearance, mental deficiency, duplication of the halluces and polydactyly; HALLUX DUPLICATION, POSTAXIAL POLYDACTYLY, AND ABSENCE OF CORPUS CALLOSUM. Identifiers: Orphanet 36, MedGen C0796147, MONDO:0008708, OMIM 200990.

gnomAD v4.1: 10 of 1,496,950 alleles (0.00067%); highest among the groups gnomAD compares: Non-Finnish European, 0.0008%; no homozygotes.

Submission:

Labcorp Genetics (formerly Invitae), Labcorp
Classification: Uncertain significance for Acrocallosal syndrome. Last evaluated: 2024-02-24. Review status: criteria provided, single submitter. Criteria: Invitae Variant Classification Sherloc (09022015). Collection method: clinical testing. Allele origin: germline.
Comment: This sequence change replaces serine, which is neutral and polar, with cysteine, which is neutral and slightly polar, at codon 455 of the KIF7 protein (p.Ser455Cys). This variant is not present in population databases (gnomAD no frequency). This variant has not been reported in the literature in individuals affected with KIF7-related conditions. Advanced modeling of protein sequence and biophysical properties (such as structural, functional, and spatial information, amino acid conservation, physicochemical variation, residue mobility, and thermodynamic stability) performed at Invitae indicates that this missense variant is not expected to disrupt KIF7 protein function with a negative predictive value of 80%. In summary, the available evidence is currently insufficient to determine the role of this variant in disease. Therefore, it has been classified as a Variant of Uncertain Significance.